The following is an entry in ClinVar:

ClinVar aggregate classification (germline): Uncertain significance (1 of 4 stars; one submission).

Conditions:
Primary familial hypertrophic cardiomyopathy (HCM). Identifiers: Orphanet 99739, MedGen C0949658, MeSH D024741, MONDO:0024573. Inheritance: Various modes of inheritance.
Dilated cardiomyopathy 1AA (CMD1AA). Also called: CARDIOMYOPATHY, DILATED, 1AA, WITH OR WITHOUT LEFT VENTRICULAR NONCOMPACTION; CARDIOMYOPATHY, FAMILIAL HYPERTROPHIC, 23, WITH OR WITHOUT LEFT VENTRICULAR NONCOMPACTION; Cardiomyopathy, dilated, 1AA, with or without LVNC. Identifiers: Orphanet 154, MedGen C2677338, MONDO:0012808, OMIM 612158.

Submission:

Labcorp Genetics (formerly Invitae), Labcorp
Classification: Uncertain significance for Primary familial hypertrophic cardiomyopathy; Dilated cardiomyopathy 1AA. Last evaluated: 2020-11-11. Review status: criteria provided, single submitter. Criteria: Invitae Variant Classification Sherloc (09022015). Collection method: clinical testing. Allele origin: germline.
Comment: This variant is not present in population databases (ExAC no frequency). This sequence change replaces asparagine with serine at codon 647 of the ACTN2 protein (p.Asn647Ser). The asparagine residue is highly conserved and there is a small physicochemical difference between asparagine and serine. This variant has not been reported in the literature in individuals with ACTN2-related conditions. In summary, the available evidence is currently insufficient to determine the role of this variant in disease. Therefore, it has been classified as a Variant of Uncertain Significance. Advanced modeling of protein sequence and biophysical properties (such as structural, functional, and spatial information, amino acid conservation, physicochemical variation, residue mobility, and thermodynamic stability) performed at Invitae indicates that this missense variant is not expected to disrupt ACTN2 protein function.

NM_001103.4(ACTN2):c.1940A>G (p.Asn647Ser)

Gene: ACTN2 (actinin alpha 2; plus strand). Cytogenetic location: 1q43.
Variant type: single nucleotide variant.
Coding change: c.1940A>G on transcript NM_001103.4 (MANE Select); coding-DNA position 1940, A replaced by G.
Protein change: p.Asn647Ser; replaces asparagine 647 with serine.
Molecular consequence: missense variant.
Genome position (GRCh38, 1-based): chr1:236,754,047, A>G. VCF-style: chr1-236754047-A-G. GRCh37 (hg19) VCF-style: chr1-236917347-A-G.
Other names: c.1940A>G, p.Asn647Ser (NM_001278343.2); c.1316A>G, p.Asn439Ser (NM_001278344.2); short protein forms N647S, N439S.
Identifiers: ClinVar variation 1483029 (VCV001483029.8), dbSNP rs2102942643, ClinGen allele CA345386996.
Genomic context (GRCh38, chr1:236,754,047, plus strand): 5'-AGGAGCTGGCTCGCCAGCATGCTAACGAGCGTCTGAGGCGCCAGTTTGCTGCCCAAGCCA[A>G]TGCCATTGGGCCCTGGATCCAGAACAAGATGGAGGTAAGCCAGCGCCCTCCCAGGCGCTG-3'
Protein context (NP_001094.1, residues 637-657): RLRRQFAAQA[Asn647Ser]AIGPWIQNKM